The following is an entry in ClinVar:

NM_015450.3(POT1):c.797A>T (p.His266Leu)

Gene: POT1 (protection of telomeres 1; minus strand). Cytogenetic location: 7q31.33.
Variant type: single nucleotide variant.
Coding change: c.797A>T on transcript NM_015450.3 (MANE Select); coding-DNA position 797, A replaced by T.
Protein change: p.His266Leu; replaces histidine 266 with leucine.
Molecular consequence: missense variant. On other transcripts: non-coding transcript variant (3).
Genome position (GRCh38, 1-based): chr7:124,853,044, T>A on the plus strand (A>T on the coding strand, the complement: POT1 is on the minus strand). VCF-style: chr7-124853044-T-A. GRCh37 (hg19) VCF-style: chr7-124493098-T-A.
Other names: c.404A>T, p.His135Leu (NM_001042594.2); short protein forms H266L, H135L.
Identifiers: ClinVar variation 644988 (VCV000644988.10), dbSNP rs1584765678, ClinGen allele CA369055420.

ClinVar aggregate classification (germline): Uncertain significance. Review status: criteria provided, multiple submitters, no conflicts (2 of 4 stars). 2 submissions from 2 submitters: Uncertain significance (2). Last evaluated 2024-12-26.

Conditions:
Tumor predisposition syndrome 3 (TPDS3). Also called: Melanoma, cutaneous malignant, susceptibility to, 10; Glioma susceptibility 9; LONG TELOMERE SYNDROME, POT1-RELATED; POT1 Tumor Predisposition. Identifiers: Orphanet 618, MedGen C4014476, MONDO:0014368, OMIM 615848.
Hereditary cancer-predisposing syndrome. Also called: Neoplastic Syndromes, Hereditary; Hereditary Cancer Syndrome; Tumor predisposition; Hereditary neoplastic syndrome. Identifiers: Orphanet 140162, MedGen C0027672, MeSH D009386, MONDO:0015356.

gnomAD v4.1: 1 of 1,613,014 alleles (0.000062%); highest among the groups gnomAD compares: Non-Finnish European, 0.000085%; no homozygotes.

Submissions (2):

Labcorp Genetics (formerly Invitae), Labcorp
Classification: Uncertain significance for Tumor predisposition syndrome 3. Last evaluated: 2024-12-26. Review status: criteria provided, single submitter. Criteria: Invitae Variant Classification Sherloc (09022015). Collection method: clinical testing. Allele origin: germline.
Comment: This sequence change replaces histidine, which is basic and polar, with leucine, which is neutral and non-polar, at codon 266 of the POT1 protein (p.His266Leu). This variant is not present in population databases (gnomAD no frequency). This variant has not been reported in the literature in individuals affected with POT1-related conditions. ClinVar contains an entry for this variant (Variation ID: 644988). Invitae Evidence Modeling of protein sequence and biophysical properties (such as structural, functional, and spatial information, amino acid conservation, physicochemical variation, residue mobility, and thermodynamic stability) indicates that this missense variant is not expected to disrupt POT1 protein function with a negative predictive value of 80%. Experimental studies have shown that this missense change affects POT1 function (PMID: 31685617). In summary, the available evidence is currently insufficient to determine the role of this variant in disease. Therefore, it has been classified as a Variant of Uncertain Significance.

Ambry Genetics
Classification: Uncertain significance for Hereditary cancer-predisposing syndrome. Last evaluated: 2024-06-25. Review status: criteria provided, single submitter. Criteria: Ambry Variant Classification Scheme 2023. Collection method: clinical testing. Allele origin: germline.
Comment: The p.H266L variant (also known as c.797A>T), located in coding exon 6 of the POT1 gene, results from an A to T substitution at nucleotide position 797. The histidine at codon 266 is replaced by leucine, an amino acid with similar properties. This amino acid position is highly conserved in available vertebrate species. In addition, this alteration is predicted to be deleterious by in silico analysis. Based on the available evidence, the clinical significance of this variant remains unclear.

Literature cited by the submitters: PubMed 31685617 (cited by Labcorp Genetics (formerly Invitae), Labcorp).